The following is an entry in ClinVar:

NM_005862.3(STAG1):c.1253A>C (p.His418Pro)

Gene: STAG1 (STAG1 cohesin complex component; minus strand). Cytogenetic location: 3q22.3.
Variant type: single nucleotide variant.
Coding change: c.1253A>C on transcript NM_005862.3 (MANE Select); coding-DNA position 1253, A replaced by C.
Protein change: p.His418Pro; replaces histidine 418 with proline.
Molecular consequence: missense variant.
Genome position (GRCh38, 1-based): chr3:136,464,941, T>G on the plus strand (A>C on the coding strand, the complement: STAG1 is on the minus strand). VCF-style: chr3-136464941-T-G. GRCh37 (hg19) VCF-style: chr3-136183783-T-G.
Other names: short protein forms H418P.
Identifiers: ClinVar variation 3692493 (VCV003692493.2).
Genomic context (GRCh38, chr3:136,464,941, plus strand): 5'-TTTTTGTGAAGGAACTCTCCAGCTGCCACAGCAACAGGGCGATGTGCCGAGTACACCAAG[T>G]GGTAAACATTTTCACAGTCTTCATTGGAAAGAGCTTCTTCACTTCCACTGAAAAATACAG-3'
Protein context (NP_005853.2, residues 408-428): LSNEDCENVY[His418Pro]LVYSAHRPVA

ClinVar aggregate classification (germline): Uncertain significance (1 of 4 stars; one submission).

Submission:

Labcorp Genetics (formerly Invitae), Labcorp
Classification: Uncertain significance. Last evaluated: 2024-10-30. Review status: criteria provided, single submitter. Criteria: Invitae Variant Classification Sherloc (09022015). Collection method: clinical testing. Allele origin: germline.
Comment: This sequence change replaces histidine, which is basic and polar, with proline, which is neutral and non-polar, at codon 418 of the STAG1 protein (p.His418Pro). This variant is not present in population databases (gnomAD no frequency). This variant has not been reported in the literature in individuals affected with STAG1-related conditions. Invitae Evidence Modeling of protein sequence and biophysical properties (such as structural, functional, and spatial information, amino acid conservation, physicochemical variation, residue mobility, and thermodynamic stability) indicates that this missense variant is not expected to disrupt STAG1 protein function with a negative predictive value of 80%. In summary, the available evidence is currently insufficient to determine the role of this variant in disease. Therefore, it has been classified as a Variant of Uncertain Significance.